The following is an entry in ClinVar:

NM_002354.3(EPCAM):c.884C>G (p.Ala295Gly)

Gene: EPCAM (epithelial cell adhesion molecule; plus strand). Cytogenetic location: 2p21.
Variant type: single nucleotide variant.
Coding change: c.884C>G on transcript NM_002354.3 (MANE Select); coding-DNA position 884, C replaced by G.
Protein change: p.Ala295Gly; replaces alanine 295 with glycine.
Molecular consequence: missense variant.
Genome position (GRCh38, 1-based): chr2:47,385,191, C>G. VCF-style: chr2-47385191-C-G. GRCh37 (hg19) VCF-style: chr2-47612330-C-G.
Other names: short protein forms A295G.
Identifiers: ClinVar variation 3222146 (VCV003222146.1), dbSNP rs1573406005, ClinGen allele CA346725317.

ClinVar aggregate classification (germline): Uncertain significance (1 of 4 stars; one submission).

Conditions:
Hereditary cancer-predisposing syndrome. Also called: Tumor predisposition; Hereditary neoplastic syndrome; Hereditary Cancer Syndrome; Neoplastic Syndromes, Hereditary. Identifiers: Orphanet 140162, MedGen C0027672, MeSH D009386, MONDO:0015356.

Submission:

Ambry Genetics
Classification: Uncertain significance for Hereditary cancer-predisposing syndrome. Last evaluated: 2024-02-24. Review status: criteria provided, single submitter. Criteria: Ambry Variant Classification Scheme 2023. Collection method: clinical testing. Allele origin: germline.
Comment: The p.A295G variant (also known as c.884C>G), located in coding exon 8 of the EPCAM gene, results from a C to G substitution at nucleotide position 884. The alanine at codon 295 is replaced by glycine, an amino acid with similar properties. This amino acid position is conserved. In addition, this alteration is predicted to be tolerated by in silico analysis. Based on the available evidence, the clinical significance of this alteration remains unclear.